The following is an entry in ClinVar:

NM_000057.4(BLM):c.4116A>C (p.Lys1372Asn)

Gene: BLM (BLM RecQ like helicase; plus strand). Cytogenetic location: 15q26.1.
Variant type: single nucleotide variant.
Coding change: c.4116A>C on transcript NM_000057.4 (MANE Select); coding-DNA position 4116, A replaced by C.
Protein change: p.Lys1372Asn; replaces lysine 1372 with asparagine.
Molecular consequence: missense variant.
Genome position (GRCh38, 1-based): chr15:90,815,141, A>C. VCF-style: chr15-90815141-A-C. GRCh37 (hg19) VCF-style: chr15-91358371-A-C.
Other names: c.4116A>C, p.Lys1372Asn (NM_001287246.2); c.3723A>C, p.Lys1241Asn (NM_001287247.2); c.2991A>C, p.Lys997Asn (NM_001287248.2); c.4116A>C (NM_000057.2); short protein forms K1241N, K1372N, K997N.
Identifiers: ClinVar variation 952874 (VCV000952874.15), dbSNP rs753664070, ClinGen allele CA7739202.
Genomic context (GRCh38, chr15:90,815,141, plus strand): 5'-TTTTTCTTTGTCACATTTCAGGGGGTCTGCCACATGTAGAAAGATATCTTCCAAAACGAA[A>C]TCCTCCAGCATCATTGGATCCAGTTCAGCCTCACATACTTCTCAAGCGACATCAGGAGCC-3'
Protein context (NP_000048.1, residues 1362-1382): ATCRKISSKT[Lys1372Asn]SSSIIGSSSA

ClinVar aggregate classification (germline): Uncertain significance. Review status: criteria provided, multiple submitters, no conflicts (2 of 4 stars). 3 submissions from 3 submitters: Uncertain significance (2). 1 of the submissions does not count toward it. Last evaluated 2025-07-10.

Conditions:
Bloom syndrome (BLM). Also called: Bloom-Torre-Machacek syndrome. Identifiers: Orphanet 125, MedGen C0005859, MONDO:0008876, OMIM 210900.
Hereditary cancer-predisposing syndrome. Also called: Tumor predisposition; Hereditary neoplastic syndrome; Neoplastic Syndromes, Hereditary; Hereditary Cancer Syndrome. Identifiers: Orphanet 140162, MedGen C0027672, MeSH D009386, MONDO:0015356.

Allele frequency attached by ClinVar (database versions not stated): TOPMed below 0.00001; ExAC 0.00001; gnomAD exomes 0.00001.
gnomAD v4.1: 6 of 1,614,160 alleles (0.00037%); highest among the groups gnomAD compares: Admixed American, 0.01%; 1 homozygote.

Submissions (3):

Ambry Genetics
Classification: Uncertain significance for Hereditary cancer-predisposing syndrome. Last evaluated: 2025-07-10. Review status: criteria provided, single submitter. Criteria: Ambry Variant Classification Scheme 2023. Collection method: clinical testing. Allele origin: germline.
Comment: The p.K1372N variant (also known as c.4116A>C), located in coding exon 21 of the BLM gene, results from an A to C substitution at nucleotide position 4116. The lysine at codon 1372 is replaced by asparagine, an amino acid with similar properties. This amino acid position is highly conserved in available vertebrate species. In addition, this alteration is predicted to be tolerated by in silico analysis. Since supporting evidence is limited at this time, the clinical significance of this alteration remains unclear.

Labcorp Genetics (formerly Invitae), Labcorp
Classification: Uncertain significance for Bloom syndrome. Last evaluated: 2025-05-19. Review status: criteria provided, single submitter. Criteria: Invitae Variant Classification Sherloc (09022015). Collection method: clinical testing. Allele origin: germline.
Comment: This sequence change replaces lysine, which is basic and polar, with asparagine, which is neutral and polar, at codon 1372 of the BLM protein (p.Lys1372Asn). This variant is present in population databases (rs753664070, gnomAD 0.009%). This variant has not been reported in the literature in individuals affected with BLM-related conditions. ClinVar contains an entry for this variant (Variation ID: 952874). An algorithm developed to predict the effect of missense changes on protein structure and function (PolyPhen-2) suggests that this variant is likely to be disruptive. In summary, the available evidence is currently insufficient to determine the role of this variant in disease. Therefore, it has been classified as a Variant of Uncertain Significance.

Natera, Inc.
Classification: Uncertain significance for Bloom syndrome. Last evaluated: 2018-10-31. Review status: no assertion criteria provided. Collection method: clinical testing. Allele origin: germline. Not counted in ClinVar's aggregate classification.